The following is an entry in ClinVar:

NM_006885.4(ZFHX3):c.5697dup (p.Glu1900fs)

Genes: ZFHX3 (zinc finger homeobox 3; minus strand), ZFHX3-AS1 (ZFHX3 antisense RNA 1; plus strand). Cytogenetic location: 16q22.2.
Variant type: Duplication.
Coding change: c.5697dup on transcript NM_006885.4 (MANE Select); coding-DNA position 5697, one base duplicated (A; older notation c.5697dupA).
Protein change: p.Glu1900fs; shifts the reading frame from glutamic acid 1900.
Molecular consequence: frameshift variant.
Genome position (GRCh38, 1-based): chr16:72,796,985, T duplicated on the plus strand (A on the coding strand, the reverse complement: ZFHX3 is on the minus strand). VCF-style (leftmost placement, unchanged base first): chr16-72796984-C-CT. GRCh37 (hg19) VCF-style: chr16-72830883-C-CT.
Other names: c.2955dup, p.Glu986fs (NM_001164766.2); c.5697dup, p.Glu1900fs (NM_001386735.1); short protein forms E1900fs, E986fs.
Identifiers: ClinVar variation 3349897 (VCV003349897.1).

ClinVar aggregate classification (germline): Likely pathogenic (0 of 4 stars; one submission).

Conditions:
ZFHX3-related disorder. Also called: ZFHX3-related condition.

Submission:

PreventionGenetics, part of Exact Sciences
Classification: Likely pathogenic for ZFHX3-related condition. Last evaluated: 2024-04-10. Review status: no assertion criteria provided. Collection method: clinical testing. Allele origin: germline.
Comment: The ZFHX3 c.5697dupA variant is predicted to result in a frameshift and premature protein termination (p.Glu1900Argfs*29). To our knowledge, this variant has not been reported in the literature or in a large population database, indicating this variant is rare. Frameshift variants in ZFHX3 are expected to be pathogenic. This variant is interpreted as likely pathogenic.